The following is an entry in ClinVar:

ClinVar aggregate classification (germline): Uncertain significance (1 of 4 stars; one submission).

Submission:

GeneDx
Classification: Uncertain significance. Last evaluated: 2025-07-01. Review status: criteria provided, single submitter. Criteria: GeneDx Variant Classification Process June 2021. Collection method: clinical testing. Allele origin: germline. Affected: yes.
Comment: Not observed at significant frequency in large population cohorts (gnomAD); In silico analysis supports that this missense variant has a deleterious effect on protein structure/function; Has not been previously published as pathogenic or benign to our knowledge

NM_005859.5(PURA):c.680A>G (p.Asp227Gly)

Gene: PURA (purine rich element binding protein A; plus strand). Cytogenetic location: 5q31.3.
Variant type: single nucleotide variant.
Coding change: c.680A>G on transcript NM_005859.5 (MANE Select); coding-DNA position 680, A replaced by G.
Protein change: p.Asp227Gly; replaces aspartic acid 227 with glycine.
Molecular consequence: missense variant.
Genome position (GRCh38, 1-based): chr5:140,114,861, A>G. VCF-style: chr5-140114861-A-G. GRCh37 (hg19) VCF-style: chr5-139494446-A-G.
Other names: short protein forms D227G.
Identifiers: ClinVar variation 4681112 (VCV004681112.1).